The following is an entry in ClinVar:

NM_002474.3(MYH11):c.5176G>A (p.Ala1726Thr)

Genes: MYH11 (myosin heavy chain 11; minus strand), NDE1 (nudE neurodevelopment protein 1; plus strand). Cytogenetic location: 16p13.11.
Variant type: single nucleotide variant.
Coding change: c.5176G>A on transcript NM_002474.3 (MANE Select); coding-DNA position 5176, G replaced by A.
Protein change: p.Ala1726Thr; replaces alanine 1726 with threonine.
Molecular consequence: missense variant. On other transcripts: intron variant (2).
Genome position (GRCh38, 1-based): chr16:15,718,434, C>T on the plus strand (G>A on the coding strand, the complement: MYH11 is on the minus strand). VCF-style: chr16-15718434-C-T. GRCh37 (hg19) VCF-style: chr16-15812291-C-T.
Other names: c.5197G>A, p.Ala1733Thr (NM_001040113.2, NM_001040114.2); c.5176G>A, p.Ala1726Thr (NM_022844.3); c.948-5757C>T (NM_001143979.2, NM_017668.3); short protein forms A1733T, A1726T.
Identifiers: ClinVar variation 375862 (VCV000375862.59), dbSNP rs376154041, ClinGen allele CA7921370.

ClinVar aggregate classification (germline): Conflicting classifications of pathogenicity. Review status: criteria provided, conflicting classifications (1 of 4 stars). 9 submissions from 9 submitters: Uncertain significance (4); Likely benign (2). 3 of the submissions do not count toward it. Last evaluated 2026-05-15.

Conditions:
Congenital aneurysm of ascending aorta (AAT1). Also called: Familial thoracic aortic aneurysm; Aortic aneurysm, thoracic; AORTIC ANEURYSM, FAMILIAL THORACIC 1; ANNULOAORTIC ECTASIA. Identifiers: Orphanet 229, MedGen C0345050, MONDO:0024559, OMIM 607086.
Familial thoracic aortic aneurysm and aortic dissection (TAAD). Also called: Thoracic aortic aneurysms and dissections. Identifiers: Orphanet 91387, MedGen C4707243, MONDO:0019625.
Aortic aneurysm, familial thoracic 4 (AAT4). Also called: AORTIC ANEURYSM/AORTIC DISSECTION AND PATENT DUCTUS ARTERIOSUS. Identifiers: MedGen C1851504, MONDO:0007568, OMIM 132900.

Allele frequency attached by ClinVar (database versions not stated): gnomAD exomes 0.00002 and 0.00003; ExAC 0.00003; gnomAD 0.00005; TOPMed 0.00006; ESP Exome Variant Server 0.00008.
gnomAD v4.1: 38 of 1,565,020 alleles (0.0024%); highest among the groups gnomAD compares: Middle Eastern, 0.019%; no homozygotes.

Submissions (9):

Women's Health and Genetics/Laboratory Corporation of America, LabCorp
Classification: Uncertain significance. Last evaluated: 2026-05-15. Review status: criteria provided, single submitter. Criteria: LabCorp Variant Classification Summary - May 2015. Collection method: clinical testing. Allele origin: germline.
Comment: Variant summary: MYH11 c.5197G>A (p.Ala1733Thr) results in a non-conservative amino acid change in the encoded protein sequence. Algorithms developed to predict the effect of missense changes on protein structure and function are either unavailable or do not agree on the potential impact of this missense change. The variant allele was found at a frequency of 2.8e-05 in 178624 control chromosomes. The available data on variant occurrences in the general population are insufficient to allow any conclusion about variant significance. c.5197G>A has been observed in an individual with thoracic aortic aneurysm and dissection (Yang_2023). This report does not provide unequivocal conclusions about association of the variant with disease. To our knowledge, no experimental evidence demonstrating an impact on protein function has been reported. The following publication has been ascertained in the context of this evaluation (PMID: 36517271). ClinVar contains an entry for this variant (Variation ID: 375862). Based on the evidence outlined above, the variant was classified as uncertain significance.

Labcorp Genetics (formerly Invitae), Labcorp
Classification: Uncertain significance for Aortic aneurysm, familial thoracic 4. Last evaluated: 2025-10-14. Review status: criteria provided, single submitter. Criteria: Invitae Variant Classification Sherloc (09022015). Collection method: clinical testing. Allele origin: germline.
Comment: This sequence change replaces alanine, which is neutral and non-polar, with threonine, which is neutral and polar, at codon 1733 of the MYH11 protein (p.Ala1733Thr). The frequency data for this variant in the population databases is considered unreliable, as metrics indicate poor data quality at this position in the gnomAD database. This missense change has been observed in individual(s) with MYH11-related conditions (PMID: 36517271). This variant is also known as c.5176G>A (p.Ala1726Thr). ClinVar contains an entry for this variant (Variation ID: 375862). Invitae Evidence Modeling of protein sequence and biophysical properties (such as structural, functional, and spatial information, amino acid conservation, physicochemical variation, residue mobility, and thermodynamic stability) indicates that this missense variant is not expected to disrupt MYH11 protein function with a negative predictive value of 95%. In summary, the available evidence is currently insufficient to determine the role of this variant in disease. Therefore, it has been classified as a Variant of Uncertain Significance.

Color Diagnostics, LLC DBA Color Health
Classification: Likely benign for Familial thoracic aortic aneurysm and aortic dissection. Last evaluated: 2024-09-12. Review status: criteria provided, single submitter. Criteria: ACMG Guidelines, 2015. Collection method: clinical testing. Allele origin: germline.

GeneDx
Classification: Uncertain significance. Last evaluated: 2024-02-23. Review status: criteria provided, single submitter. Criteria: GeneDx Variant Classification Process June 2021. Collection method: clinical testing. Allele origin: germline.
Comment: Has not been previously published as pathogenic or benign to our knowledge; Not observed at significant frequency in large population cohorts (gnomAD); In silico analysis supports that this missense variant does not alter protein structure/function; This variant is associated with the following publications: (PMID: 21529752)

Ambry Genetics
Classification: Likely benign for Familial thoracic aortic aneurysm and aortic dissection. Last evaluated: 2021-12-18. Review status: criteria provided, single submitter. Criteria: Ambry Variant Classification Scheme 2023. Collection method: clinical testing. Allele origin: germline.

CeGaT Center for Human Genetics Tuebingen
Classification: Uncertain significance. Last evaluated: 2018-08-01. Review status: criteria provided, single submitter. Criteria: CeGaT Center For Human Genetics Tuebingen Variant Classification Criteria Version 2. Collection method: clinical testing. Allele origin: germline. Affected: yes. Observed: 1 variant allele.

CSER _CC_NCGL, University of Washington
Classification: Uncertain significance for Familial thoracic aortic aneurysm. Last evaluated: 2016-08-01. Review status: no assertion criteria provided. Collection method: research. Allele origin: germline. Inheritance: Autosomal dominant inheritance. Study: CSER - NEXT Medicine variant annotation. Not counted in ClinVar's aggregate classification.

Genome Diagnostics Laboratory, University Medical Center Utrecht
Classification: Likely benign. Review status: no assertion criteria provided. Collection method: clinical testing. Allele origin: germline. Affected: yes. Study: VKGL Data-share Consensus. Not counted in ClinVar's aggregate classification.

Laboratory of Diagnostic Genome Analysis, Leiden University Medical Center (LUMC)
Classification: Likely benign. Review status: no assertion criteria provided. Collection method: clinical testing. Allele origin: germline. Affected: yes. Study: VKGL Data-share Consensus. Not counted in ClinVar's aggregate classification.

Literature cited by the submitters: PubMed 36517271 (cited by Women's Health and Genetics/Laboratory Corporation of America, LabCorp and Labcorp Genetics (formerly Invitae), Labcorp).